The following is an entry in ClinVar:

ClinVar aggregate classification (germline): Likely pathogenic (1 of 4 stars; one submission).

Conditions:
Channelopathy-associated congenital insensitivity to pain, autosomal recessive. Also called: ASYMBOLIA FOR PAIN; CONGENITAL ANALGESIA, AUTOSOMAL RECESSIVE; Insensitivity to pain, channelopathy-associated. Identifiers: Orphanet 88642, Orphanet 970, MedGen C1855739, MONDO:0009459, OMIM 243000.

gnomAD v4.1: 1 of 1,613,578 alleles (0.000062%); highest among the groups gnomAD compares: Non-Finnish European, 0.000085%; no homozygotes.

Submission:

Department of Medical and Surgical Sciences, University of Bologna
Classification: Likely pathogenic for Channelopathy-associated congenital insensitivity to pain, autosomal recessive. Last evaluated: 2024-12-06. Review status: criteria provided, single submitter. Criteria: ACMG Guidelines, 2015. Collection method: clinical testing. Allele origin: germline. Affected: yes.
Comment: The variant satisfied PM2 and PP3 criteria. We performed transcript analysis which demonstrated its impact on splicing, allowing to add the PS3 criterion and to classify it as Likely Pathogenic

NM_001365536.1(SCN9A):c.1952A>G (p.Asp651Gly)

Genes: SCN9A (sodium voltage-gated channel alpha subunit 9; minus strand), SCN1A-AS1 (SCN1A and SCN9A antisense RNA 1; plus strand). Cytogenetic location: 2q24.3.
Variant type: single nucleotide variant.
Coding change: c.1952A>G on transcript NM_001365536.1 (MANE Select); coding-DNA position 1952, A replaced by G.
Protein change: p.Asp651Gly; replaces aspartic acid 651 with glycine.
Molecular consequence: missense variant. On other transcripts: intron variant (1).
Genome position (GRCh38, 1-based): chr2:166,284,475, T>C on the plus strand (A>G on the coding strand, the complement: SCN9A is on the minus strand). VCF-style: chr2-166284475-T-C. GRCh37 (hg19) VCF-style: chr2-167140985-T-C.
Other names: c.1941+11A>G (NM_002977.3, NM_002977.4); short protein forms D651G.
Identifiers: ClinVar variation 3384159 (VCV003384159.1).